The following is an entry in ClinVar:

NM_000944.5(PPP3CA):c.1411G>T (p.Glu471Ter)

Gene: PPP3CA (protein phosphatase 3 catalytic subunit alpha; minus strand). Cytogenetic location: 4q24.
Variant type: single nucleotide variant.
Coding change: c.1411G>T on transcript NM_000944.5 (MANE Select); coding-DNA position 1411, G replaced by T.
Protein change: p.Glu471Ter; replaces glutamic acid 471 with a stop codon.
Molecular consequence: nonsense.
Genome position (GRCh38, 1-based): chr4:101,026,020, C>A on the plus strand (G>T on the coding strand, the complement: PPP3CA is on the minus strand). VCF-style: chr4-101026020-C-A. GRCh37 (hg19) VCF-style: chr4-101947177-C-A.
Other names: c.1381G>T, p.Glu461Ter (NM_001130691.2); c.1255G>T, p.Glu419Ter (NM_001130692.2); short protein forms E419*, E471*, E461*.
Identifiers: ClinVar variation 3727465 (VCV003727465.2).
Genomic context (GRCh38, chr4:101,026,020, plus strand): 5'-GCATGGCATCTCTGCGAGGCGGCATCCTCTCATTAATTCGGTCTAAGCCCTTGGCTTCCT[C>A]GAAGCTAGTGATCTTATGTTGTGGTGAAAATCCTTTGATAGCTAAACAGAAAATCATTAA-3'

ClinVar aggregate classification (germline): Pathogenic (1 of 4 stars; one submission).

Submission:

Labcorp Genetics (formerly Invitae), Labcorp
Classification: Pathogenic. Last evaluated: 2024-12-17. Review status: criteria provided, single submitter. Criteria: Invitae Variant Classification Sherloc (09022015). Collection method: clinical testing. Allele origin: germline.
Comment: This sequence change creates a premature translational stop signal (p.Glu471*) in the PPP3CA gene. While this is not anticipated to result in nonsense mediated decay, it is expected to disrupt the last 51 amino acid(s) of the PPP3CA protein. This variant is not present in population databases (gnomAD no frequency). This variant has not been reported in the literature in individuals affected with PPP3CA-related conditions. Algorithms developed to predict the effect of sequence changes on RNA splicing suggest that this variant may disrupt the consensus splice site. This variant disrupts a region of the PPP3CA protein in which other variant(s) (p.Ala473Thr) have been determined to be pathogenic (PMID: 29432562, 33963760). This suggests that this is a clinically significant region of the protein, and that variants that disrupt it are likely to be disease-causing. For these reasons, this variant has been classified as Pathogenic.

Literature cited by the submitters: PubMed 29432562; PubMed 33963760.